The following is an entry in ClinVar:

NM_000460.4(THPO):c.1054G>A (p.Glu352Lys)

Gene: THPO (thrombopoietin; minus strand). Cytogenetic location: 3q27.1.
Variant type: single nucleotide variant.
Coding change: c.1054G>A on transcript NM_000460.4 (MANE Select); coding-DNA position 1054, G replaced by A.
Protein change: p.Glu352Lys; replaces glutamic acid 352 with lysine.
Molecular consequence: missense variant. On other transcripts: 3 prime UTR variant (4).
Genome position (GRCh38, 1-based): chr3:184,372,521, C>T on the plus strand (G>A on the coding strand, the complement: THPO is on the minus strand). VCF-style: chr3-184372521-C-T. GRCh37 (hg19) VCF-style: chr3-184090309-C-T.
Other names: p.Glu352Lys; c.1042G>A, p.Glu348Lys (NM_001177597.2, NM_001290022.1); c.*77G>A (NM_001177598.2, NM_001289997.1, NM_001290026.1 and 1 more transcripts); c.1054G>A, p.Glu352Lys (NM_001289998.1, NM_001290028.1); c.1474G>A, p.Glu492Lys (NM_001290003.1); short protein forms E348K, E352K, E492K.
Identifiers: ClinVar variation 3379518 (VCV003379518.1).

ClinVar aggregate classification (germline): Uncertain significance (1 of 4 stars; one submission).

Submission:

Mayo Clinic Laboratories, Mayo Clinic
Classification: Uncertain significance. Last evaluated: 2024-08-13. Review status: criteria provided, single submitter. Criteria: ACMG Guidelines, 2015. Collection method: clinical testing. Allele origin: germline. Observed: 1 variant allele.
Comment: BP4, PM1_supporting, PM2